The following is an entry in ClinVar:

ClinVar aggregate classification (germline): Conflicting classifications of pathogenicity. Review status: criteria provided, conflicting classifications (1 of 4 stars). 2 submissions from 2 submitters: Uncertain significance (1); Likely benign (1). Last evaluated 2025-07-16.

Conditions:
Malignant hyperthermia, susceptibility to, 1 (MHS1). Also called: Malignant hyperthermia suceptibility 1; Anesthesia related hyperthermia; Malignant hyperpyrexia; Fulminating hyperpyrexia; Pharmacogenic myopathy; RYR1-Related Malignant Hyperthermia Susceptibility. Identifiers: Orphanet 423, MedGen C2930980, MONDO:0007783, OMIM 145600.
RYR1-related disorder. Also called: RYR1-related disorders; RYR1-related condition. Identifiers: MedGen CN239331.

Allele frequency attached by ClinVar (database versions not stated): ExAC 0.00001; gnomAD 0.00001; gnomAD exomes 0.00001; TOPMed 0.00001.
gnomAD v4.1: 10 of 1,613,992 alleles (0.00062%); highest among the groups gnomAD compares: African/African-American, 0.0027%; no homozygotes.

Submissions (2):

Labcorp Genetics (formerly Invitae), Labcorp
Classification: Likely benign for RYR1-related disorder. Last evaluated: 2025-07-16. Review status: criteria provided, single submitter. Criteria: Invitae Variant Classification Sherloc (09022015). Collection method: clinical testing. Allele origin: germline.

Color Diagnostics, LLC DBA Color Health
Classification: Uncertain significance for Malignant hyperthermia, susceptibility to, 1. Last evaluated: 2025-06-09. Review status: criteria provided, single submitter. Criteria: ACMG Guidelines, 2015. Collection method: clinical testing. Allele origin: germline.
Comment: This variant is located in the RYR1 protein. To our knowledge, functional studies have not been reported for this variant. This variant has not been reported in individuals affected with RYR1-related disorders in the literature. This variant has been identified in 2/250632 chromosomes in the general population by the Genome Aggregation Database (gnomAD). The available evidence is insufficient to determine the role of this variant in disease conclusively. Therefore, this variant is classified as a Variant of Uncertain Significance.

NM_000540.3(RYR1):c.9810C>T (p.Ile3270=)

Gene: RYR1 (ryanodine receptor 1; plus strand). Cytogenetic location: 19q13.2.
Variant type: single nucleotide variant.
Coding change: c.9810C>T on transcript NM_000540.3 (MANE Select); coding-DNA position 9810, C replaced by T.
Protein change: p.Ile3270=; no amino-acid change (isoleucine 3270 retained).
Molecular consequence: synonymous variant.
Genome position (GRCh38, 1-based): chr19:38,517,483, C>T. VCF-style: chr19-38517483-C-T. GRCh37 (hg19) VCF-style: chr19-39008123-C-T.
Other names: c.9810C>T, p.Ile3270= (NM_001042723.2).
Identifiers: ClinVar variation 1561112 (VCV001561112.8), dbSNP rs767400168, ClinGen allele CA074178.